The following is an entry in ClinVar:

NM_001387011.1(AMBRA1):c.1193del (p.Pro398fs)

Gene: AMBRA1 (autophagy and beclin 1 regulator 1; minus strand). Cytogenetic location: 11p11.2.
Variant type: Deletion.
Coding change: c.1193del on transcript NM_001387011.1 (MANE Select); coding-DNA position 1193, one base deleted (C; older notation c.1193delC).
Protein change: p.Pro398fs; shifts the reading frame from proline 398.
Molecular consequence: frameshift variant. On other transcripts: non-coding transcript variant (1).
Genome position (GRCh38, 1-based): chr11:46,542,824, G deleted on the plus strand (C on the coding strand, the reverse complement: AMBRA1 is on the minus strand); the first of 2 consecutive G bases (chr11:46,542,824-46,542,825); deleting either gives the same sequence. VCF-style (leftmost placement, unchanged base first): chr11-46542823-AG-A. GRCh37 (hg19) VCF-style: chr11-46564373-AG-A.
Other names: c.923del, p.Pro308fs (NM_001267782.2, NM_001267783.2, NM_001367469.1 and 2 more transcripts); c.1193del, p.Pro398fs (NM_001300731.2, NM_001367468.1); c.386del, p.Pro129fs (NM_001367470.1); short protein forms P129fs, P308fs, P398fs.
Identifiers: ClinVar variation 4985877 (VCV004985877.1).

ClinVar aggregate classification (germline): Uncertain significance (1 of 4 stars; one submission).

Conditions:
AMBRA1-related disorder. Also called: AMBRA1-related condition.

Submission:

PreventionGenetics, part of Exact Sciences
Classification: Uncertain significance for AMBRA1-related condition. Last evaluated: 2025-04-10. Review status: criteria provided, single submitter. Criteria: ACMG Guidelines, 2015. Collection method: clinical testing. Allele origin: germline.
Comment: The AMBRA1 c.923delC variant is predicted to result in a frameshift and premature protein termination (p.Pro308Leufs*13). To our knowledge, this variant has not been reported in the literature or in a large population database (gnomAD), indicating this variant is rare. Loss of function is not an established mechanism of AMBRA1-related disease. At this time, the clinical significance of this variant is uncertain due to the absence of conclusive functional and genetic evidence.